The following is an entry in ClinVar:

ClinVar aggregate classification (germline): Uncertain significance. Review status: criteria provided, multiple submitters, no conflicts (2 of 4 stars). 2 submissions from 2 submitters: Uncertain significance (2). Last evaluated 2024-05-19.

Conditions:
Emery-Dreifuss muscular dystrophy 5, autosomal dominant (EDMD5). Also called: EMERY-DREIFUSS MUSCULAR DYSTROPHY 5. Identifiers: Orphanet 261, MedGen C2751805, MONDO:0013072, OMIM 612999.

Allele frequency attached by ClinVar (database versions not stated): gnomAD 0.00001; gnomAD exomes 0.00001; ExAC 0.00002.
gnomAD v4.1: 10 of 1,614,120 alleles (0.00062%); highest among the groups gnomAD compares: Middle Eastern, 0.033%; no homozygotes.

Submissions (2):

Labcorp Genetics (formerly Invitae), Labcorp
Classification: Uncertain significance for Emery-Dreifuss muscular dystrophy 5, autosomal dominant. Last evaluated: 2024-05-19. Review status: criteria provided, single submitter. Criteria: Invitae Variant Classification Sherloc (09022015). Collection method: clinical testing. Allele origin: germline.
Comment: This sequence change replaces methionine, which is neutral and non-polar, with isoleucine, which is neutral and non-polar, at codon 3203 of the SYNE2 protein (p.Met3203Ile). This variant is present in population databases (rs767185752, gnomAD 0.002%). This variant has not been reported in the literature in individuals affected with SYNE2-related conditions. ClinVar contains an entry for this variant (Variation ID: 2313471). Algorithms developed to predict the effect of missense changes on protein structure and function output the following: SIFT: "Not Available"; PolyPhen-2: "Benign"; Align-GVGD: "Not Available". The isoleucine amino acid residue is found in multiple mammalian species, which suggests that this missense change does not adversely affect protein function. In summary, the available evidence is currently insufficient to determine the role of this variant in disease. Therefore, it has been classified as a Variant of Uncertain Significance.

Ambry Genetics
Classification: Uncertain significance. Last evaluated: 2022-09-26. Review status: criteria provided, single submitter. Criteria: Ambry Variant Classification Scheme 2023. Collection method: clinical testing. Allele origin: germline.

NM_182914.3(SYNE2):c.9609G>A (p.Met3203Ile)

Gene: SYNE2 (spectrin repeat containing nuclear envelope protein 2; plus strand). Cytogenetic location: 14q23.2.
Variant type: single nucleotide variant.
Coding change: c.9609G>A on transcript NM_182914.3 (MANE Select); coding-DNA position 9609, G replaced by A.
Protein change: p.Met3203Ile; replaces methionine 3203 with isoleucine.
Molecular consequence: missense variant.
Genome position (GRCh38, 1-based): chr14:64,053,522, G>A. VCF-style: chr14-64053522-G-A. GRCh37 (hg19) VCF-style: chr14-64520240-G-A.
Other names: c.9609G>A, p.Met3203Ile (NM_015180.6); short protein forms M3203I.
Identifiers: ClinVar variation 2313471 (VCV002313471.4), dbSNP rs767185752, ClinGen allele CA7221294.